The following is an entry in ClinVar:

NM_015474.4(SAMHD1):c.993C>T (p.Tyr331=)

Gene: SAMHD1 (SAM and HD domain containing deoxynucleoside triphosphate triphosphohydrolase 1; minus strand). Cytogenetic location: 20q11.23.
Variant type: single nucleotide variant.
Coding change: c.993C>T on transcript NM_015474.4 (MANE Select); coding-DNA position 993, C replaced by T.
Protein change: p.Tyr331=; no amino-acid change (tyrosine 331 retained).
Molecular consequence: synonymous variant.
Genome position (GRCh38, 1-based): chr20:36,916,791, G>A on the plus strand (C>T on the coding strand, the complement: SAMHD1 is on the minus strand). VCF-style: chr20-36916791-G-A. GRCh37 (hg19) VCF-style: chr20-35545194-G-A.
Other names: c.993C>T, p.Tyr331= (NM_001363729.2, NM_001363733.2).
Identifiers: ClinVar variation 738990 (VCV000738990.17), dbSNP rs775726168, ClinGen allele CA9844612.

ClinVar aggregate classification (germline): Conflicting classifications of pathogenicity. Review status: criteria provided, conflicting classifications (1 of 4 stars). 5 submissions from 4 submitters: Uncertain significance (1); Likely benign (3). 1 of the submissions does not count toward it. Last evaluated 2026-01-28.

Conditions:
Chilblain lupus 2 (CHBL2). Identifiers: MedGen C3280721, MONDO:0013739, OMIM 614415.
Aicardi-Goutieres syndrome 5. Identifiers: Orphanet 51, MedGen C2749659, MONDO:0013059, OMIM 612952.
Aicardi Goutieres syndrome (AGS). Also called: Encephalopathy, familial infantile, with calcification of basal ganglia and chronic cerebrospinal fluid lymphocytosis. Identifiers: Orphanet 51, MedGen C0393591, MONDO:0018866.

Allele frequency attached by ClinVar (database versions not stated): ExAC 0.00002; gnomAD 0.00003 and 0.00004; TOPMed 0.00003; gnomAD exomes 0.00004 and 0.00008.
gnomAD v4.1: 122 of 1,613,918 alleles (0.0076%); highest among the groups gnomAD compares: Non-Finnish European, 0.01%; no homozygotes.

Submissions (5):

Labcorp Genetics (formerly Invitae), Labcorp
Classification: Likely benign for Aicardi-Goutieres syndrome 5. Last evaluated: 2026-01-28. Review status: criteria provided, single submitter. Criteria: Invitae Variant Classification Sherloc (09022015). Collection method: clinical testing. Allele origin: germline.

Blueprint Genetics
Classification: Likely benign. Last evaluated: 2024-03-25. Review status: criteria provided, single submitter. Criteria: ACMG Guidelines, 2015. Collection method: clinical testing. Allele origin: germline.

Illumina Laboratory Services, Illumina
Classification: Likely benign for Chilblain lupus 2. Last evaluated: 2018-01-13. Review status: criteria provided, single submitter. Criteria: ICSL Variant Classification Criteria 13 December 2019. Collection method: clinical testing. Allele origin: germline.
Comment: This variant was observed in the ICSL laboratory as part of a predisposition screen in an ostensibly healthy population. It had not been previously curated by ICSL or reported in the Human Gene Mutation Database (HGMD: prior to June 1st, 2018), and was therefore a candidate for classification through an automated scoring system. Utilizing variant allele frequency, disease prevalence and penetrance estimates, and inheritance mode, an automated score was calculated to assess if this variant is too frequent to cause the disease. Based on the score and internal cut-off values, a variant classified as likely benign is not then subjected to further curation. The score for this variant resulted in a classification of likely benign for this disease.

Illumina Laboratory Services, Illumina
Classification: Uncertain significance for Aicardi-Goutieres syndrome 5. Last evaluated: 2018-01-13. Review status: criteria provided, single submitter. Criteria: ICSL Variant Classification Criteria 13 December 2019. Collection method: clinical testing. Allele origin: germline.

Natera, Inc.
Classification: Likely benign for Aicardi-Goutieres syndrome. Last evaluated: 2020-04-30. Review status: no assertion criteria provided. Collection method: clinical testing. Allele origin: germline. Not counted in ClinVar's aggregate classification.